The following is an entry in ClinVar:

ClinVar aggregate classification (germline): Uncertain significance (1 of 4 stars; one submission).

Submission:

Dasa
Classification: Uncertain significance. Last evaluated: 2026-03-04. Review status: criteria provided, single submitter. Criteria: DASA Assertion Criteria. Collection method: clinical testing. Allele origin: germline.
Comment: NM_004830.4(MED23):c.29A>T (p.Glu10Val) is a missense variant that results in the substitution of glutamic acid with valine. This variant is rare in population databases. Computational prediction algorithms are consistent with a deleterious effect. The currently available literature and clinical evidence are not sufficient to establish a definitive association between this variant and the reported condition. Therefore, this variant is classified as a variant of uncertain significance.

NM_004830.4(MED23):c.29A>T (p.Glu10Val)

Gene: MED23 (mediator complex subunit 23; minus strand). Cytogenetic location: 6q23.2.
Variant type: single nucleotide variant.
Coding change: c.29A>T on transcript NM_004830.4 (MANE Select); coding-DNA position 29, A replaced by T.
Protein change: p.Glu10Val; replaces glutamic acid 10 with valine.
Molecular consequence: missense variant. On other transcripts: intron variant (1).
Genome position (GRCh38, 1-based): chr6:131,628,021, T>A on the plus strand (A>T on the coding strand, the complement: MED23 is on the minus strand). VCF-style: chr6-131628021-T-A. GRCh37 (hg19) VCF-style: chr6-131949161-T-A.
Other names: c.29A>T, p.Glu10Val (NM_001270521.2, NM_001270522.2, NM_001376517.1 and 7 more transcripts); c.-34+242A>T (NM_001376518.1); short protein forms E10V.
Identifiers: ClinVar variation 4884983 (VCV004884983.2).